The following is an entry in ClinVar:

NM_000443.4(ABCB4):c.149A>G (p.Asp50Gly)

Gene: ABCB4 (ATP binding cassette subfamily B member 4; minus strand). Cytogenetic location: 7q21.12.
Variant type: single nucleotide variant.
Coding change: c.149A>G on transcript NM_000443.4 (MANE Select); coding-DNA position 149, A replaced by G.
Protein change: p.Asp50Gly; replaces aspartic acid 50 with glycine.
Molecular consequence: missense variant.
Genome position (GRCh38, 1-based): chr7:87,462,895, T>C on the plus strand (A>G on the coding strand, the complement: ABCB4 is on the minus strand). VCF-style: chr7-87462895-T-C. GRCh37 (hg19) VCF-style: chr7-87092211-T-C.
Other names: c.149A>G, p.Asp50Gly (NM_018849.3, NM_018850.3); short protein forms D50G.
Identifiers: ClinVar variation 3344994 (VCV003344994.1).

ClinVar aggregate classification (germline): Uncertain significance (0 of 4 stars; one submission).

Conditions:
ABCB4-related disorder. Also called: ABCB4-related disorders; ABCB4-related condition.

gnomAD v4.1: 1 of 1,613,842 alleles (0.000062%); highest among the groups gnomAD compares: Non-Finnish European, 0.000085%; no homozygotes.

Submission:

PreventionGenetics, part of Exact Sciences
Classification: Uncertain significance for ABCB4-related condition. Last evaluated: 2024-09-24. Review status: no assertion criteria provided. Collection method: clinical testing. Allele origin: germline.
Comment: The ABCB4 c.149A>G variant is predicted to result in the amino acid substitution p.Asp50Gly. To our knowledge, this variant has not been reported in the literature or in a large population database, indicating this variant is rare. At this time, the clinical significance of this variant is uncertain due to the absence of conclusive functional and genetic evidence.